The following is an entry in ClinVar:

ClinVar aggregate classification (germline): Uncertain significance (1 of 4 stars; one submission).

Conditions:
Kabuki syndrome 2 (KABUK2). Also called: KDM6A-Related Kabuki Syndrome. Identifiers: Orphanet 2322, MedGen C3275495, MONDO:0010465, OMIM 300867.

gnomAD v4.1: 3 of 1,207,024 alleles (0.00025%); highest among the groups gnomAD compares: Non-Finnish European, 0.00034%; no homozygotes.

Submission:

Labcorp Genetics (formerly Invitae), Labcorp
Classification: Uncertain significance for Kabuki syndrome 2. Last evaluated: 2025-01-22. Review status: criteria provided, single submitter. Criteria: Invitae Variant Classification Sherloc (09022015). Collection method: clinical testing. Allele origin: germline.
Comment: This sequence change replaces alanine, which is neutral and non-polar, with glycine, which is neutral and non-polar, at codon 12 of the KDM6A protein (p.Ala12Gly). This variant is not present in population databases (gnomAD no frequency). This variant has not been reported in the literature in individuals affected with KDM6A-related conditions. Invitae Evidence Modeling of protein sequence and biophysical properties (such as structural, functional, and spatial information, amino acid conservation, physicochemical variation, residue mobility, and thermodynamic stability) indicates that this missense variant is not expected to disrupt KDM6A protein function with a negative predictive value of 80%. In summary, the available evidence is currently insufficient to determine the role of this variant in disease. Therefore, it has been classified as a Variant of Uncertain Significance.

NM_001291415.2(KDM6A):c.35C>G (p.Ala12Gly)

Gene: KDM6A (lysine demethylase 6A; plus strand). Cytogenetic location: Xp11.3.
Variant type: single nucleotide variant.
Coding change: c.35C>G on transcript NM_001291415.2 (MANE Select); coding-DNA position 35, C replaced by G.
Protein change: p.Ala12Gly; replaces alanine 12 with glycine.
Molecular consequence: missense variant. On other transcripts: non-coding transcript variant (1), 5 prime UTR variant (1).
Genome position (GRCh38, 1-based): chrX:44,873,586, C>G. VCF-style: chrX-44873586-C-G. GRCh37 (hg19) VCF-style: chrX-44732832-C-G.
Other names: c.35C>G, p.Ala12Gly (NM_001419813.1, NM_001419814.1, NM_001419815.1 and 9 more transcripts); c.-598C>G (NM_001291421.2); short protein forms A12G.
Identifiers: ClinVar variation 3710572 (VCV003710572.2).